The following is an entry in ClinVar:

NM_001384732.1(CPLANE1):c.6902A>T (p.Lys2301Met)

Gene: CPLANE1 (ciliogenesis and planar polarity effector complex subunit 1; minus strand). Cytogenetic location: 5p13.2.
Variant type: single nucleotide variant.
Coding change: c.6902A>T on transcript NM_001384732.1 (MANE Select); coding-DNA position 6902, A replaced by T.
Protein change: p.Lys2301Met; replaces lysine 2301 with methionine.
Molecular consequence: missense variant.
Genome position (GRCh38, 1-based): chr5:37,169,122, T>A on the plus strand (A>T on the coding strand, the complement: CPLANE1 is on the minus strand). VCF-style: chr5-37169122-T-A. GRCh37 (hg19) VCF-style: chr5-37169224-T-A.
Other names: c.6902A>T, p.Lys2301Met (NM_023073.4); short protein forms K2301M.
Identifiers: ClinVar variation 2072130 (VCV002072130.3), dbSNP rs775583275, ClinGen allele CA3238171.

ClinVar aggregate classification (germline): Uncertain significance (1 of 4 stars; one submission).

Allele frequency attached by ClinVar (database versions not stated): gnomAD exomes below 0.00001; ExAC 0.00001.
gnomAD v4.1: 1 of 1,614,210 alleles (0.000062%); highest among the groups gnomAD compares: Non-Finnish European, 0.000085%; no homozygotes.

Submission:

Labcorp Genetics (formerly Invitae), Labcorp
Classification: Uncertain significance. Last evaluated: 2022-07-07. Review status: criteria provided, single submitter. Criteria: Invitae Variant Classification Sherloc (09022015). Collection method: clinical testing. Allele origin: germline.
Comment: This sequence change replaces lysine, which is basic and polar, with methionine, which is neutral and non-polar, at codon 2301 of the CPLANE1 protein (p.Lys2301Met). This variant is present in population databases (rs775583275, gnomAD 0.0009%). This variant has not been reported in the literature in individuals affected with CPLANE1-related conditions. Advanced modeling of protein sequence and biophysical properties (such as structural, functional, and spatial information, amino acid conservation, physicochemical variation, residue mobility, and thermodynamic stability) performed at Invitae indicates that this missense variant is not expected to disrupt CPLANE1 protein function. In summary, the available evidence is currently insufficient to determine the role of this variant in disease. Therefore, it has been classified as a Variant of Uncertain Significance.